The following is an entry in ClinVar:

ClinVar aggregate classification (germline): Uncertain significance (0 of 4 stars; one submission).

Conditions:
SEMA3C-related disorder. Also called: SEMA3C-related condition.

gnomAD v4.1: 7 of 1,613,980 alleles (0.00043%); highest among the groups gnomAD compares: African/African-American, 0.0093%; no homozygotes.

Submission:

PreventionGenetics, part of Exact Sciences
Classification: Uncertain significance for SEMA3C-related condition. Last evaluated: 2024-01-09. Review status: no assertion criteria provided. Collection method: clinical testing. Allele origin: germline.
Comment: The SEMA3C c.1346A>T variant is predicted to result in the amino acid substitution p.Lys449Met. To our knowledge, this variant has not been reported in the literature. This variant is reported in 0.020% of alleles in individuals of African descent in gnomAD. At this time, the clinical significance of this variant is uncertain due to the absence of conclusive functional and genetic evidence.

NM_006379.5(SEMA3C):c.1292A>T (p.Lys431Met)

Gene: SEMA3C (semaphorin 3C; minus strand). Cytogenetic location: 7q21.11.
Variant type: single nucleotide variant.
Coding change: c.1292A>T on transcript NM_006379.5 (MANE Select); coding-DNA position 1292, A replaced by T.
Protein change: p.Lys431Met; replaces lysine 431 with methionine.
Molecular consequence: missense variant.
Genome position (GRCh38, 1-based): chr7:80,789,368, T>A on the plus strand (A>T on the coding strand, the complement: SEMA3C is on the minus strand). VCF-style: chr7-80789368-T-A. GRCh37 (hg19) VCF-style: chr7-80418684-T-A.
Other names: c.1346A>T, p.Lys449Met (NM_001350120.2); c.1118A>T, p.Lys373Met (NM_001350121.2); short protein forms K373M, K431M, K449M.
Identifiers: ClinVar variation 3351148 (VCV003351148.1).